The following is an entry in ClinVar:

ClinVar aggregate classification (germline): Likely benign. Review status: criteria provided, multiple submitters, no conflicts (2 of 4 stars). 3 submissions from 3 submitters: Likely benign (3). Last evaluated 2025-11-01.

Conditions:
MEGF8-related Carpenter syndrome. Also called: Carpenter syndrome 2. Identifiers: Orphanet 65759, MedGen C3554247, MONDO:0013998, OMIM 614976.

Allele frequency attached by ClinVar (database versions not stated): gnomAD 0.00033 and 0.00031; ExAC 0.00041; gnomAD exomes 0.00015 and 0.00016; TOPMed 0.00026.
gnomAD v4.1: 324 of 1,582,750 alleles (0.02%); highest among the groups gnomAD compares: Admixed American, 0.06%; no homozygotes.

Submissions (3):

CeGaT Center for Human Genetics Tuebingen
Classification: Likely benign. Last evaluated: 2025-11-01. Review status: criteria provided, single submitter. Criteria: CeGaT Center For Human Genetics Tuebingen Variant Classification Criteria Version 2. Collection method: clinical testing. Allele origin: germline. Affected: yes. Observed: 1 variant allele.
Comment: MEGF8: BP4, BP7

Labcorp Genetics (formerly Invitae), Labcorp
Classification: Likely benign for MEGF8-related Carpenter syndrome. Last evaluated: 2025-07-08. Review status: criteria provided, single submitter. Criteria: Invitae Variant Classification Sherloc (09022015). Collection method: clinical testing. Allele origin: germline.

Blueprint Genetics
Classification: Likely benign. Last evaluated: 2024-11-01. Review status: criteria provided, single submitter. Criteria: ACMG Guidelines, 2015. Collection method: clinical testing. Allele origin: germline.

NM_001271938.2(MEGF8):c.8271C>T (p.Pro2757=)

Gene: MEGF8 (multiple EGF like domains 8; plus strand). Cytogenetic location: 19q13.2.
Variant type: single nucleotide variant.
Coding change: c.8271C>T on transcript NM_001271938.2 (MANE Select); coding-DNA position 8271, C replaced by T.
Protein change: p.Pro2757=; no amino-acid change (proline 2757 retained).
Molecular consequence: synonymous variant.
Genome position (GRCh38, 1-based): chr19:42,376,508, C>T. VCF-style: chr19-42376508-C-T. GRCh37 (hg19) VCF-style: chr19-42880660-C-T.
Other names: c.8070C>T, p.Pro2690= (NM_001410.3).
Identifiers: ClinVar variation 540555 (VCV000540555.17), dbSNP rs755400663, ClinGen allele CA9476355.
Genomic context (GRCh38, chr19:42,376,508, plus strand): 5'-GACAGGGGCCGGTGGGCCCTGGGGACCCATGGGAGGGGGCTGCTGCCCACCAGCCATCCC[C>T]GCCACCACTGCTGGGCTGCGAGCTGGGCCCATCACTCTCGAGCCCACAGAAGATGGCATG-3'
Protein context (NP_001258867.1, residues 2747-2767): MGGGCCPPAI[Pro2757=]ATTAGLRAGP